The following is an entry in ClinVar:

NM_005262.3(GFER):c.420C>A (p.Tyr140Ter)

Gene: GFER (growth factor, augmenter of liver regeneration; plus strand). Cytogenetic location: 16p13.3.
Variant type: single nucleotide variant.
Coding change: c.420C>A on transcript NM_005262.3 (MANE Select); coding-DNA position 420, C replaced by A.
Protein change: p.Tyr140Ter; replaces tyrosine 140 with a stop codon.
Molecular consequence: nonsense.
Genome position (GRCh38, 1-based): chr16:1,984,908, C>A. VCF-style: chr16-1984908-C-A. GRCh37 (hg19) VCF-style: chr16-2034909-C-A.
Other names: short protein forms Y140*.
Identifiers: ClinVar variation 2015147 (VCV002015147.4), dbSNP rs1403499397, ClinGen allele CA394303289.

ClinVar aggregate classification (germline): Uncertain significance (1 of 4 stars; one submission).

Submission:

Labcorp Genetics (formerly Invitae), Labcorp
Classification: Uncertain significance. Last evaluated: 2022-09-15. Review status: criteria provided, single submitter. Criteria: Invitae Variant Classification Sherloc (09022015). Collection method: clinical testing. Allele origin: germline.
Comment: This sequence change creates a premature translational stop signal (p.Tyr140*) in the GFER gene. While this is not anticipated to result in nonsense mediated decay, it is expected to disrupt the last 66 amino acid(s) of the GFER protein. This variant is not present in population databases (gnomAD no frequency). This variant has not been reported in the literature in individuals affected with GFER-related conditions. Experimental studies and prediction algorithms are not available or were not evaluated, and the functional significance of this variant is currently unknown. In summary, the available evidence is currently insufficient to determine the role of this variant in disease. Therefore, it has been classified as a Variant of Uncertain Significance.